The following is an entry in ClinVar:

ClinVar aggregate classification (germline): Likely benign. Review status: reviewed by expert panel (3 of 4 stars). 3 submissions from 3 submitters: Likely benign (1). 2 of the submissions do not count toward it. Last evaluated 2017-06-29.

Conditions:
Hereditary breast ovarian cancer syndrome. Also called: Hereditary breast and ovarian cancer syndrome; Hereditary breast and ovarian cancer syndrome (HBOC); BRCA1- and BRCA2-Associated Hereditary Breast and Ovarian Cancer; Breast and ovarian cancer; Hereditary breast and ovarian cancer; Hereditary breast and/or ovarian cancer syndrome. Identifiers: Orphanet 145, MedGen C0677776, MeSH D061325, MONDO:0003582. Disease mechanism: loss of function.
Hereditary cancer-predisposing syndrome. Also called: Hereditary Cancer Syndrome; Hereditary neoplastic syndrome; Tumor predisposition; Neoplastic Syndromes, Hereditary. Identifiers: Orphanet 140162, MedGen C0027672, MeSH D009386, MONDO:0015356.
Breast-ovarian cancer, familial, susceptibility to, 1 (BROVCA1). Also called: OVARIAN CANCER, SUSCEPTIBILITY TO; BRCA1 Hereditary Breast and Ovarian Cancer. Identifiers: Orphanet 145, MedGen C2676676, MONDO:0011450, OMIM 604370. Disease mechanism: loss of function.

Allele frequency attached by ClinVar (database versions not stated): gnomAD exomes below 0.00001.
gnomAD v4.1: 2 of 1,613,746 alleles (0.00012%); highest among the groups gnomAD compares: South Asian, 0.0022%; no homozygotes.

Submissions (3):

Evidence-based Network for the Interpretation of Germline Mutant Alleles (ENIGMA)
Classification: Likely benign for Breast-ovarian cancer, familial, susceptibility to, 1. Last evaluated: 2017-06-29. Review status: reviewed by expert panel. Criteria: ENIGMA BRCA1/2 Classification Criteria (2017-06-29). Collection method: curation. Allele origin: germline.
Comment: Synonymous substitution variant, with low bioinformatic likelihood to result in a splicing aberration (Splicing prior probability 0.02).

Labcorp Genetics (formerly Invitae), Labcorp
Classification: Likely benign for Hereditary breast ovarian cancer syndrome. Last evaluated: 2022-11-15. Review status: criteria provided, single submitter. Criteria: Invitae Variant Classification Sherloc (09022015). Collection method: clinical testing. Allele origin: germline. Not counted in ClinVar's aggregate classification.

Ambry Genetics
Classification: Likely benign for Hereditary cancer-predisposing syndrome. Last evaluated: 2014-07-10. Review status: criteria provided, single submitter. Criteria: Ambry Variant Classification Scheme 2023. Collection method: clinical testing. Allele origin: germline. Not counted in ClinVar's aggregate classification.

NM_007294.4(BRCA1):c.4353A>G (p.Glu1451=)

Gene: BRCA1 (BRCA1 DNA repair associated; minus strand). Cytogenetic location: 17q21.31.
Variant type: single nucleotide variant.
Coding change: c.4353A>G on transcript NM_007294.4 (MANE Select); coding-DNA position 4353, A replaced by G.
Protein change: p.Glu1451=; no amino-acid change (glutamic acid 1451 retained).
Molecular consequence: synonymous variant.
Genome position (GRCh38, 1-based): chr17:43,082,408, T>C on the plus strand (A>G on the coding strand, the complement: BRCA1 is on the minus strand). VCF-style: chr17-43082408-T-C. GRCh37 (hg19) VCF-style: chr17-41234425-T-C.
Other names: c.831A>G, p.Glu277= (NM_001408491.1, NM_001408492.1, NM_001408493.1 and 3 more transcripts); c.804A>G, p.Glu268= (NM_001408494.1); c.801A>G, p.Glu267= (NM_001408495.1); c.780A>G, p.Glu260= (NM_001408496.1, NM_001408497.1, NM_001408498.1 and 3 more transcripts); c.711A>G, p.Glu237= (NM_001408502.1); c.777A>G, p.Glu259= (NM_001408503.1, NM_001408504.1, NM_001408505.1); c.717A>G, p.Glu239= (NM_001408506.1); c.714A>G, p.Glu238= (NM_001408507.1); and 51 more.
Identifiers: ClinVar variation 185700 (VCV000185700.18), dbSNP rs786202387, ClinGen allele CA002782.